The following is an entry in ClinVar:

NM_001111077.2(EZR):c.1215A>G (p.Arg405=)

Gene: EZR (ezrin; minus strand). Cytogenetic location: 6q25.3.
Variant type: single nucleotide variant.
Coding change: c.1215A>G on transcript NM_001111077.2 (MANE Select); coding-DNA position 1215, A replaced by G.
Protein change: p.Arg405=; no amino-acid change (arginine 405 retained).
Molecular consequence: synonymous variant.
Genome position (GRCh38, 1-based): chr6:158,769,820, T>C on the plus strand (A>G on the coding strand, the complement: EZR is on the minus strand). VCF-style: chr6-158769820-T-C. GRCh37 (hg19) VCF-style: chr6-159190852-T-C.
Other names: c.1215A>G, p.Arg405= (NM_003379.5).
Identifiers: ClinVar variation 3049769 (VCV003049769.2), dbSNP rs140494633, ClinGen allele CA4075060.

ClinVar aggregate classification (germline): Likely benign (0 of 4 stars; one submission).

Conditions:
EZR-related disorder. Also called: EZR-related condition.

Allele frequency attached by ClinVar (database versions not stated): gnomAD 0.00005; TOPMed 0.00005; gnomAD exomes 0.00007; ESP Exome Variant Server 0.00008; ExAC 0.00010.
gnomAD v4.1: 111 of 1,614,052 alleles (0.0069%); highest among the groups gnomAD compares: Middle Eastern, 0.033%; no homozygotes.

Submission:

PreventionGenetics, part of Exact Sciences
Classification: Likely benign for EZR-related condition. Last evaluated: 2019-07-12. Review status: no assertion criteria provided. Collection method: clinical testing. Allele origin: germline.
Comment: This variant is classified as likely benign based on ACMG/AMP sequence variant interpretation guidelines (Richards et al. 2015 PMID: 25741868, with internal and published modifications).